The following is an entry in ClinVar:

NM_003227.4(TFR2):c.2219C>T (p.Thr740Met)

Gene: TFR2 (transferrin receptor 2; minus strand). Cytogenetic location: 7q22.1.
Variant type: single nucleotide variant.
Coding change: c.2219C>T on transcript NM_003227.4 (MANE Select); coding-DNA position 2219, C replaced by T.
Protein change: p.Thr740Met; replaces threonine 740 with methionine.
Molecular consequence: missense variant.
Genome position (GRCh38, 1-based): chr7:100,621,044, G>A on the plus strand (C>T on the coding strand, the complement: TFR2 is on the minus strand). VCF-style: chr7-100621044-G-A. GRCh37 (hg19) VCF-style: chr7-100218667-G-A.
Other names: c.1706C>T, p.Thr569Met (NM_001206855.3); short protein forms T569M, T740M.
Identifiers: ClinVar variation 1008087 (VCV001008087.6), dbSNP rs150806077, ClinGen allele CA4386184.

ClinVar aggregate classification (germline): Uncertain significance (1 of 4 stars; one submission).

Conditions:
Hereditary hemochromatosis (HFE). Identifiers: MedGen C0392514, MONDO:0006507. Disease mechanism: loss of function.

Allele frequency attached by ClinVar (database versions not stated): TOPMed below 0.00001; gnomAD 0.00001 and 0.00002; ExAC 0.00002; 1000 Genomes Project 30x 0.00031; 1000 Genomes Project 0.00040.
gnomAD v4.1: 8 of 1,583,620 alleles (0.00051%); highest among the groups gnomAD compares: East Asian, 0.0047%; no homozygotes.

Submission:

Labcorp Genetics (formerly Invitae), Labcorp
Classification: Uncertain significance for Hereditary hemochromatosis. Last evaluated: 2021-08-28. Review status: criteria provided, single submitter. Criteria: Invitae Variant Classification Sherloc (09022015). Collection method: clinical testing. Allele origin: germline.
Comment: This sequence change replaces threonine with methionine at codon 740 of the TFR2 protein (p.Thr740Met). The threonine residue is highly conserved and there is a moderate physicochemical difference between threonine and methionine. This variant is present in population databases (rs150806077, ExAC 0.02%). This missense change has been observed in individual(s) with hereditary hemochromatosis (PMID: 24055163). Algorithms developed to predict the effect of missense changes on protein structure and function (SIFT, PolyPhen-2, Align-GVGD) all suggest that this variant is likely to be disruptive. In summary, the available evidence is currently insufficient to determine the role of this variant in disease. Therefore, it has been classified as a Variant of Uncertain Significance.

Literature cited by the submitters: PubMed 24055163.